The following is an entry in ClinVar:

ClinVar aggregate classification (germline): Conflicting classifications of pathogenicity. Review status: criteria provided, conflicting classifications (1 of 4 stars). 8 submissions from 8 submitters: Likely pathogenic (1); Uncertain significance (5). 2 of the submissions do not count toward it. Last evaluated 2025-08-26.

Conditions:
POLG-related disorder. Also called: POLG-Related Spectrum Disorders; POLG-related condition; POLG-Related Disorders. Identifiers: MedGen C4763519.
Mitochondrial DNA depletion syndrome 4b. Also called: MNGIE, POLG-RELATED; Mitochondrial Neurogastrointestinal Encephalopathy Disease, POLG-Related. Identifiers: Orphanet 298, MedGen C3150914, MONDO:0013350, OMIM 613662.
Progressive sclerosing poliodystrophy (MTDPS4A). Also called: Alpers-Huttenlocher Syndrome; Mitochondrial DNA Depletion Syndrome 4A; ALPERS PROGRESSIVE INFANTILE POLIODYSTROPHY; ALPERS DIFFUSE DEGENERATION OF CEREBRAL GRAY MATTER WITH HEPATIC CIRRHOSIS; Alpers Syndrome; Alpers-Huttenlocher Syndrome (AHS). Identifiers: Orphanet 726, MedGen C0205710, MONDO:0008758, OMIM 203700.

Allele frequency attached by ClinVar (database versions not stated): gnomAD exomes 0.00001; TOPMed 0.00001; ExAC 0.00002.
gnomAD v4.1: 16 of 1,614,098 alleles (0.00099%); highest among the groups gnomAD compares: Middle Eastern, 0.05%; no homozygotes.

Submissions (8):

Labcorp Genetics (formerly Invitae), Labcorp
Classification: Uncertain significance for Progressive sclerosing poliodystrophy. Last evaluated: 2025-08-26. Review status: criteria provided, single submitter. Criteria: Invitae Variant Classification Sherloc (09022015). Collection method: clinical testing. Allele origin: germline.
Comment: This sequence change replaces leucine, which is neutral and non-polar, with methionine, which is neutral and non-polar, at codon 874 of the POLG protein (p.Leu874Met). This variant is present in population databases (rs758402960, gnomAD 0.004%). This variant has not been reported in the literature in individuals affected with POLG-related conditions. ClinVar contains an entry for this variant (Variation ID: 206531). Invitae Evidence Modeling of protein sequence and biophysical properties (such as structural, functional, and spatial information, amino acid conservation, physicochemical variation, residue mobility, and thermodynamic stability) has been performed for this missense variant. However, the output from this modeling did not meet the statistical confidence thresholds required to predict the impact of this variant on POLG protein function. In summary, the available evidence is currently insufficient to determine the role of this variant in disease. Therefore, it has been classified as a Variant of Uncertain Significance.

Blueprint Genetics
Classification: Uncertain significance. Last evaluated: 2024-09-17. Review status: criteria provided, single submitter. Criteria: ACMG Guidelines, 2015. Collection method: clinical testing. Allele origin: germline.

Women's Health and Genetics/Laboratory Corporation of America, LabCorp
Classification: Uncertain significance. Last evaluated: 2022-11-22. Review status: criteria provided, single submitter. Criteria: LabCorp Variant Classification Summary - May 2015. Collection method: clinical testing. Allele origin: germline.
Comment: Variant summary: POLG c.2620T>A (p.Leu874Met) results in a conservative amino acid change located in the DNA-directed DNA polymerase, family A, palm domain (IPR001098) of the encoded protein sequence. Three of five in-silico tools predict a damaging effect of the variant on protein function. The variant allele was found at a frequency of 1.2e-05 in 251020 control chromosomes (gnomAD). The available data on variant occurrences in the general population are insufficient to allow any conclusion about variant significance. To our knowledge, no occurrence of c.2620T>A in individuals affected with POLG-Related Spectrum Disorders and no experimental evidence demonstrating an impact on protein function has been reported. Three ClinVar submitters have assessed the variant since 2014: two classified the variant as uncertain significance and one as likely pathogenic. Based on the evidence outlined above, the variant was classified as uncertain significance.

Wong Mito Lab, Molecular and Human Genetics, Baylor College of Medicine
Classification: Likely pathogenic for Progressive sclerosing poliodystrophy. Last evaluated: 2018-10-01. Review status: criteria provided, single submitter. Criteria: ACMG Guidelines, 2015. Collection method: clinical testing. Allele origin: germline.
Comment: The NM_002693.2:c.2620T>A (NP_002684.1:p.Leu874Met) [GRCH38: NC_000015.10:g.89321239A>T] variant in POLG gene is interpretated to be a Likely Pathogenic based on ACMG guidelines (PMID: 25741868). This variant meets the following evidence codes reported in the ACMG-guideline. PM1:This variant is in mutational hot spot or a well-studied functional domain without benign variation. PM2:This variant is absent in key population databases. PP1:This variant is co-segregated with Mitochondrial DNA depletion syndrome 4A (Alpers type) in multiple affected family members. PP2:This is a missense variant in POLG with a low rate of benign and high rate of pathogenic missense variations. PP3:Computational evidence/predictors indicate the variant has deleterious effect on POLG structure, function, or protein-protein interaction. PP4:Patient's phenotype or family history is highly specific for POLG. Based on the evidence criteria codes applied, the variant is suggested to be Likely Pathogenic.

GeneDx
Classification: Uncertain significance. Last evaluated: 2015-12-24. Review status: criteria provided, single submitter. Criteria: GeneDx Variant Classification (06012015). Collection method: clinical testing. Allele origin: germline. Affected: yes.
Comment: p.Leu874Met (TTG>ATG): c.2620 T>A in exon 17 in the POLG gene (NM_002693.2). The L874M variant in the POLG gene has not been published as a mutation, nor has it been reported as a benign polymorphism to our knowledge. The L874M variant was not observed in approximately 6,500 individuals of European and African American ancestry in the NHLBI Exome Sequencing Project, indicating it is not a common benign variant in these populations. The L874M variant is a conservative amino acid substitution, which is not likely to impact secondary protein structure as these residues share similar properties. This substitution occurs at a position that is conserved in most species, however Methionine is tolerated at this position in another mammalian species. In silico analysis is inconsistent in its predictions as to whether or not the variant is damaging to the protein structure/function. Missense mutations in nearby residues (R869Q, Q879H) have been reported in association with POLG-related disorders, supporting the functional importance of this region of the protein. Therefore, we interpret L874M as a variant of unknown significance. The variant is found in POLG panel(s).

Genomic Diagnostic Laboratory, Division of Genomic Diagnostics, Children's Hospital of Philadelphia
Classification: Uncertain significance. Last evaluated: 2015-06-17. Review status: criteria provided, single submitter. Criteria: DGD Variant Analysis Guidelines. Collection method: clinical testing. Allele origin: unknown.

PreventionGenetics, part of Exact Sciences
Classification: Uncertain significance for POLG-related condition. Last evaluated: 2023-12-07. Review status: no assertion criteria provided. Collection method: clinical testing. Allele origin: germline. Not counted in ClinVar's aggregate classification.
Comment: The POLG c.2620T>A variant is predicted to result in the amino acid substitution p.Leu874Met. To our knowledge, this variant has not been reported in association with disorders in the literature. This variant is reported in 0.0026% of alleles in individuals of European (Non-Finnish) descent in gnomAD. At this time, the clinical significance of this variant is uncertain due to the absence of conclusive functional and genetic evidence.

Clinical Laboratory Sciences Program (CLSP), King Saud bin Abdulaziz University for Health Sciences (KSAU-HS)
Classification: Uncertain significance for Mitochondrial DNA depletion syndrome 4b. Review status: no assertion criteria provided. Collection method: clinical testing. Allele origin: germline. Affected: yes. Not counted in ClinVar's aggregate classification.

Literature cited by the submitters: PubMed 32347949 (cited by Women's Health and Genetics/Laboratory Corporation of America, LabCorp).

NM_002693.3(POLG):c.2620T>A (p.Leu874Met)

Gene: POLG (DNA polymerase gamma, catalytic subunit; minus strand). Cytogenetic location: 15q26.1.
Variant type: single nucleotide variant.
Coding change: c.2620T>A on transcript NM_002693.3 (MANE Select); coding-DNA position 2620, T replaced by A.
Protein change: p.Leu874Met; replaces leucine 874 with methionine.
Molecular consequence: missense variant.
Genome position (GRCh38, 1-based): chr15:89,321,239, A>T on the plus strand (T>A on the coding strand, the complement: POLG is on the minus strand). VCF-style: chr15-89321239-A-T. GRCh37 (hg19) VCF-style: chr15-89864470-A-T.
Other names: p.L874M:TTG>ATG; c.2620T>A (NM_001126131.1); c.2620T>A, p.Leu874Met (NM_001126131.2); short protein forms L874M.
Identifiers: ClinVar variation 206531 (VCV000206531.35), dbSNP rs758402960, ClinGen allele CA316707.
Genomic context (GRCh38, chr15:89,321,239, plus strand): 5'-GGGAGTCCACATCAGCACCCACAAGGGTGTAGCCAGGTGGGGCCTGCACCATGGCTTTCA[A>T]CTCACTGCCTACTCGGTCAGGCTGTGGGAAGAGTGAGATACCCAAATGAGACTCTTCCTA-3'
Protein context (NP_002684.1, residues 864-884): NARPDRVGSE[Leu874Met]KAMVQAPPGY